The following is an entry in ClinVar:

NM_001144967.3(NEDD4L):c.1198C>T (p.Arg400Cys)

Gene: NEDD4L (NEDD4 like E3 ubiquitin protein ligase; plus strand). Cytogenetic location: 18q21.31.
Variant type: single nucleotide variant.
Coding change: c.1198C>T on transcript NM_001144967.3 (MANE Select); coding-DNA position 1198, C replaced by T.
Protein change: p.Arg400Cys; replaces arginine 400 with cysteine.
Molecular consequence: missense variant. On other transcripts: intron variant (1).
Genome position (GRCh38, 1-based): chr18:58,341,110, C>T. VCF-style: chr18-58341110-C-T. GRCh37 (hg19) VCF-style: chr18-56008342-C-T.
Other names: c.835C>T, p.Arg279Cys (NM_001144964.1, NM_001144965.2, NM_001144966.3); c.1174C>T, p.Arg392Cys (NM_001144968.2); c.1114C>T, p.Arg372Cys (NM_001144969.2); c.775C>T, p.Arg259Cys (NM_001144970.3, NM_001144971.2); c.1138C>T, p.Arg380Cys (NM_015277.6); c.1066-568C>T (NM_001243960.2); short protein forms R259C, R279C, R392C, R400C, R372C, R380C.
Identifiers: ClinVar variation 1405560 (VCV001405560.8), dbSNP rs1460158008, ClinGen allele CA402561408.
Genomic context (GRCh38, chr18:58,341,110, plus strand): 5'-TATGTACATACCACGCCGGGTCTGCCTTCAGGCTGGGAAGAAAGAAAAGATGCTAAGGGG[C>T]GCACATACTATGTCAATCATAACAATCGAACCACAACTTGGACTCGACCTATCATGCAGG-3'
Protein context (NP_001138439.1, residues 390-410): GWEERKDAKG[Arg400Cys]TYYVNHNNRT

ClinVar aggregate classification (germline): Uncertain significance (1 of 4 stars; one submission).

Allele frequency attached by ClinVar (database versions not stated): gnomAD exomes below 0.00001; TOPMed below 0.00001; 1000 Genomes Project 30x 0.00016.

Submission:

Labcorp Genetics (formerly Invitae), Labcorp
Classification: Uncertain significance. Last evaluated: 2024-03-06. Review status: criteria provided, single submitter. Criteria: Invitae Variant Classification Sherloc (09022015). Collection method: clinical testing. Allele origin: germline.
Comment: This sequence change replaces arginine, which is basic and polar, with cysteine, which is neutral and slightly polar, at codon 380 of the NEDD4L protein (p.Arg380Cys). This variant is not present in population databases (gnomAD no frequency). This variant has not been reported in the literature in individuals affected with NEDD4L-related conditions. ClinVar contains an entry for this variant (Variation ID: 1405560). Advanced modeling of protein sequence and biophysical properties (such as structural, functional, and spatial information, amino acid conservation, physicochemical variation, residue mobility, and thermodynamic stability) performed at Invitae indicates that this missense variant is not expected to disrupt NEDD4L protein function with a negative predictive value of 80%. In summary, the available evidence is currently insufficient to determine the role of this variant in disease. Therefore, it has been classified as a Variant of Uncertain Significance.